The following is an entry in ClinVar:

NM_001267550.2(TTN):c.34786+1G>A

Gene: TTN (titin; minus strand). Cytogenetic location: 2q31.2.
Variant type: single nucleotide variant.
Coding change: c.34786+1G>A on transcript NM_001267550.2 (MANE Select); the canonical splice donor site of the intron after coding-DNA position 34786, G replaced by A.
Molecular consequence: splice donor variant. On other transcripts: intron variant (3).
Genome position (GRCh38, 1-based): chr2:178,673,632, C>T on the plus strand (G>A on the coding strand, the complement: TTN is on the minus strand). VCF-style: chr2-178673632-C-T. GRCh37 (hg19) VCF-style: chr2-179538359-C-T.
Other names: c.13283-31315G>A (NM_003319.4); c.13859-31315G>A (NM_133437.4); c.13658-31315G>A (NM_133432.3); c.30883+1G>A (NM_133378.4); c.33664+1G>A (NM_001256850.1).
Identifiers: ClinVar variation 3751418 (VCV003751418.4), dbSNP rs879010418.
Genomic context (GRCh38, chr2:178,673,632, plus strand): 5'-TGCTTTTAAGAAAGAAAATTAATGGGAAGTTAAAGATATTAATAATGAGGATTTGATATA[C>T]CTTTAGCTGGTGGTGCCTCCACTTTTTTAGGAACAGGAGTAGGTGCTTCAGGTACTGCTT-3'

ClinVar aggregate classification (germline): Conflicting classifications of pathogenicity. Review status: criteria provided, conflicting classifications (1 of 4 stars). 3 submissions from 3 submitters: Likely pathogenic (1); Uncertain significance (2). Last evaluated 2026-01-08.

Conditions:
Dilated cardiomyopathy 1G (CMD1G). Identifiers: Orphanet 154, MedGen C1858763, MONDO:0011400, OMIM 604145.
Autosomal recessive limb-girdle muscular dystrophy type 2J (LGMDR10). Also called: Limb-girdle muscular dystrophy, type 2J; MUSCULAR DYSTROPHY, LIMB-GIRDLE, AUTOSOMAL RECESSIVE 10. Identifiers: Orphanet 140922, MedGen C1837342, MONDO:0012127, OMIM 608807.
Cardiovascular phenotype. Identifiers: MedGen CN230736.

gnomAD v4.1: 2 of 1,587,038 alleles (0.00013%); highest among the groups gnomAD compares: Non-Finnish European, 0.00017%; no homozygotes.

Submissions (3):

GeneDx
Classification: Uncertain significance. Last evaluated: 2026-01-08. Review status: criteria provided, single submitter. Criteria: GeneDx Variant Classification Process June 2021. Collection method: clinical testing. Allele origin: germline.
Comment: Not observed at significant frequency in large population cohorts (gnomAD); Canonical splice site variant in a gene or region of a gene for which loss of function is not a well-established mechanism of disease; Has not been previously published as pathogenic or benign to our knowledge

Labcorp Genetics (formerly Invitae), Labcorp
Classification: Likely pathogenic for Dilated cardiomyopathy 1G; Autosomal recessive limb-girdle muscular dystrophy type 2J. Last evaluated: 2025-07-23. Review status: criteria provided, single submitter. Criteria: Invitae Variant Classification Sherloc (09022015). Collection method: clinical testing. Allele origin: germline.
Comment: This sequence change affects a donor splice site in intron 152 of the TTN gene. It is expected to disrupt RNA splicing and likely results in a truncated or disrupted TTN protein. This variant is not present in population databases (gnomAD no frequency). This variant has not been observed in the literature in individuals with autosomal recessive TTN-related conditions. This variant has been reported in individual(s) with autosomal dominant dilated cardiomyopathy (internal data); however, the role of the variant in this condition is currently unclear. ClinVar contains an entry for this variant (Variation ID: 3751418). Algorithms developed to predict the effect of sequence changes on RNA splicing suggest that this variant may disrupt the consensus splice site. This variant is located in the I band of TTN (PMID: 25589632). Truncating variants in this region have been reported in individuals affected with autosomal recessive centronuclear myopathy (PMID: 23975875, internal data). Truncating variants in this region have also been identified in individuals affected with autosomal dominant dilated cardiomyopathy and/or cardio-related conditions (PMID: 27869827, 32964742, internal data). In summary, the currently available evidence indicates that the variant is pathogenic, but additional data are needed to prove that conclusively. Therefore, this variant has been classified as Likely Pathogenic.

Molecular Diagnostic Laboratory for Inherited Cardiovascular Disease, Montreal Heart Institute
Classification: Uncertain significance for Cardiovascular phenotype. Last evaluated: 2025-04-09. Review status: criteria provided, single submitter. Criteria: ACMG Guidelines, 2015. Collection method: clinical testing. Allele origin: germline. Affected: yes.
Comment: PM2, PVS1_supp

Literature cited by the submitters: PubMed 25589632 (cited by Labcorp Genetics (formerly Invitae), Labcorp); PubMed 23975875 (cited by Labcorp Genetics (formerly Invitae), Labcorp); PubMed 27869827 (cited by Labcorp Genetics (formerly Invitae), Labcorp); PubMed 32964742 (cited by Labcorp Genetics (formerly Invitae), Labcorp).